The following is an entry in ClinVar:

ClinVar aggregate classification (germline): Benign/Likely benign. Review status: criteria provided, multiple submitters, no conflicts (2 of 4 stars). 2 submissions from 2 submitters: Benign (1); Likely benign (1). Last evaluated 2026-04-16.

Conditions:
Breast-ovarian cancer, familial, susceptibility to, 4. Identifiers: Orphanet 145, MedGen C3280345, MONDO:0013669, OMIM 614291.
Hereditary cancer-predisposing syndrome. Also called: Neoplastic Syndromes, Hereditary; Tumor predisposition; Hereditary Cancer Syndrome; Hereditary neoplastic syndrome. Identifiers: Orphanet 140162, MedGen C0027672, MeSH D009386, MONDO:0015356.

Submissions (2):

Ambry Genetics
Classification: Likely benign for Hereditary cancer-predisposing syndrome. Last evaluated: 2026-04-16. Review status: criteria provided, single submitter. Criteria: Ambry Variant Classification Scheme 2023. Collection method: clinical testing. Allele origin: germline.

Myriad Genetics, Inc.
Classification: Benign for Breast-ovarian cancer, familial, susceptibility to, 4. Last evaluated: 2025-02-24. Review status: criteria provided, single submitter. Criteria: Myriad Autosomal Dominant, Autosomal Recessive and X-Linked Classification Criteria (2023). Collection method: clinical testing. Allele origin: unknown.
Comment: This variant is considered benign. This variant is a silent/synonymous amino acid change and it is not expected to impact splicing.

NM_002878.4(RAD51D):c.711G>A (p.Leu237=)

Genes: RAD51D (RAD51 paralog D; minus strand), RAD51L3-RFFL (RAD51L3-RFFL readthrough; minus strand). Cytogenetic location: 17q12.
Variant type: single nucleotide variant.
Coding change: c.711G>A on transcript NM_002878.4 (MANE Select); coding-DNA position 711, G replaced by A.
Protein change: p.Leu237=; no amino-acid change (leucine 237 retained).
Molecular consequence: synonymous variant. On other transcripts: non-coding transcript variant (3).
Genome position (GRCh38, 1-based): chr17:35,103,281, C>T on the plus strand (G>A on the coding strand, the complement: RAD51D is on the minus strand). VCF-style: chr17-35103281-C-T. GRCh37 (hg19) VCF-style: chr17-33430300-C-T.
Other names: c.771G>A, p.Leu257= (NM_001142571.2); c.375G>A, p.Leu125= (NM_133629.3).
Identifiers: ClinVar variation 3904760 (VCV003904760.2).